The following is an entry in ClinVar:

NM_001276270.2(MBD4):c.1267C>G (p.Pro423Ala)

Gene: MBD4 (methyl-CpG binding domain 4, DNA glycosylase; minus strand). Cytogenetic location: 3q21.3.
Variant type: single nucleotide variant.
Coding change: c.1267C>G on transcript NM_001276270.2 (MANE Select); coding-DNA position 1267, C replaced by G.
Protein change: p.Pro423Ala; replaces proline 423 with alanine.
Molecular consequence: missense variant.
Genome position (GRCh38, 1-based): chr3:129,433,976, G>C on the plus strand (C>G on the coding strand, the complement: MBD4 is on the minus strand). VCF-style: chr3-129433976-G-C. GRCh37 (hg19) VCF-style: chr3-129152819-G-C.
Other names: c.1285C>G, p.Pro429Ala (NM_001276271.2, NM_001276272.2, NM_003925.3); c.331C>G, p.Pro111Ala (NM_001276273.2); c.1285C>G (NM_003925.2); short protein forms P111A, P429A, P423A.
Identifiers: ClinVar variation 2785179 (VCV002785179.5), dbSNP rs765916875, ClinGen allele CA2605341.
Genomic context (GRCh38, chr3:129,433,976, plus strand): 5'-GAACGAGATTAAAAGGTGACCGAGGAGGTGTCCATTTCTTAAAGGCTTTACGTCGTGGGG[G>C]GCTAAGAGCTAAACAAACATAGTGCATCAGAATTGAAAACCCAAAATGGAATTAGAATTT-3'
Protein context (NP_001263199.1, residues 413-433): SSKYNKEALS[Pro423Ala]PRRKAFKKWT

ClinVar aggregate classification (germline): Uncertain significance. Review status: criteria provided, multiple submitters, no conflicts (2 of 4 stars). 3 submissions from 3 submitters: Uncertain significance (3). Last evaluated 2026-09-14.

Conditions:
MBD4-related disorder. Also called: MBD4-related condition.
Inborn genetic diseases. Identifiers: MedGen C0950123, MeSH D030342.

Allele frequency attached by ClinVar (database versions not stated): gnomAD 0.00001.
gnomAD v4.1: 18 of 1,614,048 alleles (0.0011%); highest among the groups gnomAD compares: East Asian, 0.04%; no homozygotes.

Submissions (3):

PreventionGenetics, part of Exact Sciences
Classification: Uncertain significance for MBD4-related condition. Last evaluated: 2026-09-14. Review status: criteria provided, single submitter. Criteria: ACMG Guidelines, 2015. Collection method: clinical testing. Allele origin: germline.
Comment: The MBD4 c.1285C>G variant is predicted to result in the amino acid substitution p.Pro429Ala. To our knowledge, this variant has not been reported in the literature. This variant is reported in 0.022% of alleles in individuals of East Asian descent in gnomAD. This variant is classified as uncertain in ClinVar (Variation ID: 2785179). At this time, the clinical significance of this variant is uncertain due to the absence of conclusive functional and genetic evidence.

Labcorp Genetics (formerly Invitae), Labcorp
Classification: Uncertain significance. Last evaluated: 2026-01-08. Review status: criteria provided, single submitter. Criteria: Invitae Variant Classification Sherloc (09022015). Collection method: clinical testing. Allele origin: germline.
Comment: This sequence change replaces proline, which is neutral and non-polar, with alanine, which is neutral and non-polar, at codon 429 of the MBD4 protein (p.Pro429Ala). This variant is present in population databases (rs765916875, gnomAD 0.02%). This variant has not been reported in the literature in individuals affected with MBD4-related conditions. ClinVar contains an entry for this variant (Variation ID: 2785179). An algorithm developed to predict the effect of missense changes on protein structure and function (PolyPhen-2) suggests that this variant is likely to be tolerated. In summary, the available evidence is currently insufficient to determine the role of this variant in disease. Therefore, it has been classified as a Variant of Uncertain Significance.

Ambry Genetics
Classification: Uncertain significance for Inborn genetic diseases. Last evaluated: 2025-03-19. Review status: criteria provided, single submitter. Criteria: Ambry Variant Classification Scheme 2023. Collection method: clinical testing. Allele origin: germline.
Comment: The p.P423A variant (also known as c.1267C>G), located in coding exon 5 of the MBD4 gene, results from a C to G substitution at nucleotide position 1267. The proline at codon 423 is replaced by alanine, an amino acid with highly similar properties. This amino acid position is conserved. In addition, the in silico prediction for this alteration is inconclusive. Based on the available evidence, the clinical significance of this variant remains unclear.